The following is an entry in ClinVar:

ClinVar aggregate classification (germline): Likely benign. Review status: criteria provided, multiple submitters, no conflicts (2 of 4 stars). 2 submissions from 2 submitters: Likely benign (2). Last evaluated 2023-11-07.

Conditions:
Hereditary breast ovarian cancer syndrome. Also called: Hereditary breast and/or ovarian cancer syndrome; Hereditary breast and ovarian cancer syndrome; Hereditary breast and ovarian cancer syndrome (HBOC); Hereditary breast and ovarian cancer; BRCA1- and BRCA2-Associated Hereditary Breast and Ovarian Cancer; Breast and ovarian cancer. Identifiers: Orphanet 145, MedGen C0677776, MeSH D061325, MONDO:0003582. Disease mechanism: loss of function.

Submissions (2):

Labcorp Genetics (formerly Invitae), Labcorp
Classification: Likely benign for Hereditary breast ovarian cancer syndrome. Last evaluated: 2023-11-07. Review status: criteria provided, single submitter. Criteria: Invitae Variant Classification Sherloc (09022015). Collection method: clinical testing. Allele origin: germline.

GeneDx
Classification: Likely benign. Last evaluated: 2016-05-24. Review status: criteria provided, single submitter. Criteria: GeneDx Variant Classification (06012015). Collection method: clinical testing. Allele origin: germline. Affected: yes.
Comment: This variant is considered likely benign or benign based on one or more of the following criteria: it is a conservative change, it occurs at a poorly conserved position in the protein, it is predicted to be benign by multiple in silico algorithms, and/or has population frequency not consistent with disease.

NM_000059.4(BRCA2):c.6842-12A>G

Gene: BRCA2 (BRCA2 DNA repair associated; plus strand). Cytogenetic location: 13q13.1.
Variant type: single nucleotide variant.
Coding change: c.6842-12A>G on transcript NM_000059.4 (MANE Select); 12 bases into the intron before coding-DNA position 6842, A replaced by G.
Molecular consequence: intron variant.
Genome position (GRCh38, 1-based): chr13:32,344,546, A>G. VCF-style: chr13-32344546-A-G. GRCh37 (hg19) VCF-style: chr13-32918683-A-G.
Identifiers: ClinVar variation 378911 (VCV000378911.12), dbSNP rs1057520405, ClinGen allele CA16606798.